The following is an entry in ClinVar:

NM_002234.4(KCNA5):c.68G>T (p.Arg23Leu)

Gene: KCNA5 (potassium voltage-gated channel subfamily A member 5; plus strand). Cytogenetic location: 12p13.32.
Variant type: single nucleotide variant.
Coding change: c.68G>T on transcript NM_002234.4 (MANE Select); coding-DNA position 68, G replaced by T.
Protein change: p.Arg23Leu; replaces arginine 23 with leucine.
Molecular consequence: missense variant.
Genome position (GRCh38, 1-based): chr12:5,044,215, G>T. VCF-style: chr12-5044215-G-T. GRCh37 (hg19) VCF-style: chr12-5153381-G-T.
Other names: short protein forms R23L.
Identifiers: ClinVar variation 3617989 (VCV003617989.2).
Genomic context (GRCh38, chr12:5,044,215, plus strand): 5'-TCGCCCTGGTGCCCCTGGAGAACGGCGGTGCCATGACCGTCAGAGGAGGCGATGAGGCCC[G>T]GGCAGGCTGCGGCCAGGCCACAGGGGGAGAGCTCCAGTGTCCCCCGACGGCTGGGCTCAG-3'
Protein context (NP_002225.2, residues 13-33): AMTVRGGDEA[Arg23Leu]AGCGQATGGE

ClinVar aggregate classification (germline): Uncertain significance (1 of 4 stars; one submission).

Conditions:
Atrial fibrillation, familial, 7 (ATFB7). Identifiers: MedGen C2677106, MONDO:0012828, OMIM 612240.

Submission:

Labcorp Genetics (formerly Invitae), Labcorp
Classification: Uncertain significance for Atrial fibrillation, familial, 7. Last evaluated: 2024-02-05. Review status: criteria provided, single submitter. Criteria: Invitae Variant Classification Sherloc (09022015). Collection method: clinical testing. Allele origin: germline.
Comment: This sequence change replaces arginine, which is basic and polar, with leucine, which is neutral and non-polar, at codon 23 of the KCNA5 protein (p.Arg23Leu). This variant is not present in population databases (gnomAD no frequency). This variant has not been reported in the literature in individuals affected with KCNA5-related conditions. Algorithms developed to predict the effect of missense changes on protein structure and function output the following: SIFT: "Not Available"; PolyPhen-2: "Benign"; Align-GVGD: "Not Available". The leucine amino acid residue is found in multiple mammalian species, which suggests that this missense change does not adversely affect protein function. In summary, the available evidence is currently insufficient to determine the role of this variant in disease. Therefore, it has been classified as a Variant of Uncertain Significance.